The following is an entry in ClinVar:

ClinVar aggregate classification (germline): Uncertain significance. Review status: criteria provided, multiple submitters, no conflicts (2 of 4 stars). 2 submissions from 2 submitters: Uncertain significance (2). Last evaluated 2022-05-27.

Conditions:
Inborn genetic diseases. Identifiers: MedGen C0950123, MeSH D030342.

Submissions (2):

Labcorp Genetics (formerly Invitae), Labcorp
Classification: Uncertain significance. Last evaluated: 2022-05-27. Review status: criteria provided, single submitter. Criteria: Invitae Variant Classification Sherloc (09022015). Collection method: clinical testing. Allele origin: germline.
Comment: This sequence change replaces proline, which is neutral and non-polar, with serine, which is neutral and polar, at codon 4 of the PIGB protein (p.Pro4Ser). This variant is present in population databases (rs765931863, gnomAD 0.007%). This variant has not been reported in the literature in individuals affected with PIGB-related conditions. Algorithms developed to predict the effect of missense changes on protein structure and function output the following: SIFT: "Deleterious"; PolyPhen-2: "Benign"; Align-GVGD: "Class C0". The serine amino acid residue is found in multiple mammalian species, which suggests that this missense change does not adversely affect protein function. In summary, the available evidence is currently insufficient to determine the role of this variant in disease. Therefore, it has been classified as a Variant of Uncertain Significance.

Ambry Genetics
Classification: Uncertain significance for Inborn genetic diseases. Last evaluated: 2021-06-18. Review status: criteria provided, single submitter. Criteria: Ambry Variant Classification Scheme 2023. Collection method: clinical testing. Allele origin: germline.

NM_004855.5(PIGB):c.10C>T (p.Pro4Ser)

Genes: PIGB (phosphatidylinositol glycan anchor biosynthesis class B; plus strand), LOC130057104 (ATAC-STARR-seq lymphoblastoid active region 9443; plus strand). Cytogenetic location: 15q21.3.
Variant type: single nucleotide variant.
Coding change: c.10C>T on transcript NM_004855.5 (MANE Select); coding-DNA position 10, C replaced by T.
Protein change: p.Pro4Ser; replaces proline 4 with serine.
Molecular consequence: missense variant.
Genome position (GRCh38, 1-based): chr15:55,319,260, C>T. VCF-style: chr15-55319260-C-T. GRCh37 (hg19) VCF-style: chr15-55611458-C-T.
Other names: short protein forms P4S.
Identifiers: ClinVar variation 2062947 (VCV002062947.2), dbSNP rs765931863, ClinGen allele CA7573745.